The following is an entry in ClinVar:

ClinVar aggregate classification (germline): Uncertain significance (1 of 4 stars; one submission).

Submission:

Laboratory for Molecular Medicine, Mass General Brigham Personalized Medicine
Classification: Uncertain significance. Last evaluated: 2013-09-11. Review status: criteria provided, single submitter. Criteria: LMM Criteria. Collection method: clinical testing. Allele origin: germline. Observed: 2 variant alleles.
Comment: The Ala21210Thr variant in TTN has not been previously reported in any other fam ilies with cardiomyopathy or in large population studies. Computational analyses (biochemical amino acid properties, conservation, AlignGVGD, PolyPhen2, and SIF T) do not provide strong support for or against an impact to the protein. Additi onal information is needed to fully assess the clinical significance of the Ala2 1210Thr variant.

NM_001267550.2(TTN):c.71332G>A (p.Ala23778Thr)

Genes: TTN-AS1 (TTN antisense RNA 1; plus strand), TTN (titin; minus strand). Cytogenetic location: 2q31.2.
Variant type: single nucleotide variant.
Coding change: c.71332G>A on transcript NM_001267550.2 (MANE Select); coding-DNA position 71332, G replaced by A.
Protein change: p.Ala23778Thr; replaces alanine 23778 with threonine.
Molecular consequence: missense variant.
Genome position (GRCh38, 1-based): chr2:178,574,800, C>T on the plus strand (G>A on the coding strand, the complement: TTN is on the minus strand). VCF-style: chr2-178574800-C-T. GRCh37 (hg19) VCF-style: chr2-179439527-C-T.
Other names: c.63628G>A, p.Ala21210Thr (NM_133378.4); c.66409G>A, p.Ala22137Thr (NM_001256850.1); c.44137G>A, p.Ala14713Thr (NM_003319.4); c.44512G>A, p.Ala14838Thr (NM_133432.3); c.44713G>A, p.Ala14905Thr (NM_133437.4); short protein forms A21210T, A23778T, A22137T, A14713T, A14905T, A14838T.
Identifiers: ClinVar variation 165853 (VCV000165853.5), dbSNP rs727503566, ClinGen allele CA178523.